The following is an entry in ClinVar:

ClinVar aggregate classification (germline): Uncertain significance. Review status: criteria provided, multiple submitters, no conflicts (2 of 4 stars). 2 submissions from 2 submitters: Uncertain significance (2). Last evaluated 2025-08-22.

Conditions:
Lethal multiple pterygium syndrome (LMPS). Identifiers: Orphanet 33108, MedGen C1854678, MONDO:0009668, OMIM 253290.
Inborn genetic diseases. Identifiers: MedGen C0950123, MeSH D030342.

gnomAD v4.1: 13 of 1,614,052 alleles (0.00081%); highest among the groups gnomAD compares: Non-Finnish European, 0.0011%; no homozygotes.

Submissions (2):

Ambry Genetics
Classification: Uncertain significance for Inborn genetic diseases. Last evaluated: 2025-08-22. Review status: criteria provided, single submitter. Criteria: Ambry Variant Classification Scheme 2023. Collection method: clinical testing. Allele origin: germline.

Labcorp Genetics (formerly Invitae), Labcorp
Classification: Uncertain significance for Lethal multiple pterygium syndrome. Last evaluated: 2022-02-10. Review status: criteria provided, single submitter. Criteria: Invitae Variant Classification Sherloc (09022015). Collection method: clinical testing. Allele origin: germline.
Comment: In summary, the available evidence is currently insufficient to determine the role of this variant in disease. Therefore, it has been classified as a Variant of Uncertain Significance. Advanced modeling of protein sequence and biophysical properties (such as structural, functional, and spatial information, amino acid conservation, physicochemical variation, residue mobility, and thermodynamic stability) performed at Invitae indicates that this missense variant is not expected to disrupt CHRND protein function. This variant has not been reported in the literature in individuals affected with CHRND-related conditions. This variant is not present in population databases (gnomAD no frequency). This sequence change replaces valine, which is neutral and non-polar, with leucine, which is neutral and non-polar, at codon 131 of the CHRND protein (p.Val131Leu).

NM_000751.3(CHRND):c.391G>C (p.Val131Leu)

Gene: CHRND (cholinergic receptor nicotinic delta subunit; plus strand). Cytogenetic location: 2q37.1.
Variant type: single nucleotide variant.
Coding change: c.391G>C on transcript NM_000751.3 (MANE Select); coding-DNA position 391, G replaced by C.
Protein change: p.Val131Leu; replaces valine 131 with leucine.
Molecular consequence: missense variant. On other transcripts: synonymous variant (1).
Genome position (GRCh38, 1-based): chr2:232,528,538, G>C. VCF-style: chr2-232528538-G-C. GRCh37 (hg19) VCF-style: chr2-233393248-G-C.
Other names: c.391G>C (NM_000751.1); c.346G>C, p.Val116Leu (NM_001256657.2); c.120G>C, p.Thr40= (NM_001311195.2); c.88G>C, p.Val30Leu (NM_001311196.2); short protein forms V116L, V131L, V30L.
Identifiers: ClinVar variation 2199561 (VCV002199561.3), dbSNP rs755141289, ClinGen allele CA350997893.